The following is an entry in ClinVar:

NM_001148.6(ANK2):c.1725C>G (p.Ser575Arg)

Gene: ANK2 (ankyrin 2; plus strand). Cytogenetic location: 4q26.
Variant type: single nucleotide variant.
Coding change: c.1725C>G on transcript NM_001148.6 (MANE Select); coding-DNA position 1725, C replaced by G.
Protein change: p.Ser575Arg; replaces serine 575 with arginine.
Molecular consequence: missense variant.
Genome position (GRCh38, 1-based): chr4:113,277,878, C>G. VCF-style: chr4-113277878-C-G. GRCh37 (hg19) VCF-style: chr4-114199034-C-G.
Other names: c.1662C>G, p.Ser554Arg (NM_001127493.3, NM_001354239.2, NM_001354243.2 and 14 more transcripts); c.1725C>G, p.Ser575Arg (NM_001354225.2, NM_001354228.2, NM_001354232.2 and 8 more transcripts); c.1770C>G, p.Ser590Arg (NM_001354230.2, NM_001354231.2, NM_001354237.2 and 5 more transcripts); c.1638C>G, p.Ser546Arg (NM_001354249.2, NM_001354260.2, NM_001354264.2 and 13 more transcripts); c.1683C>G, p.Ser561Arg (NM_001354261.2, NM_001386147.1, NM_001386160.1); c.1515C>G, p.Ser505Arg (NM_001354269.3); c.1527C>G, p.Ser509Arg (NM_001354273.2); c.1440C>G, p.Ser480Arg (NM_001354277.2, NM_001386157.1, NM_001386158.1); and 4 more; short protein forms S546R, S554R, S561R, S563R, S571R, S575R, S584R, S590R.
Identifiers: ClinVar variation 3220963 (VCV003220963.1), dbSNP rs2153698530, ClinGen allele CA357910893.

ClinVar aggregate classification (germline): Uncertain significance (1 of 4 stars; one submission).

Conditions:
Cardiovascular phenotype. Identifiers: MedGen CN230736.

Submission:

Ambry Genetics
Classification: Uncertain significance for Cardiovascular phenotype. Last evaluated: 2024-03-06. Review status: criteria provided, single submitter. Criteria: Ambry Variant Classification Scheme 2023. Collection method: clinical testing. Allele origin: germline.
Comment: The p.S575R variant (also known as c.1725C>G), located in coding exon 16 of the ANK2 gene, results from a C to G substitution at nucleotide position 1725. The serine at codon 575 is replaced by arginine, an amino acid with dissimilar properties. This amino acid position is conserved. In addition, the in silico prediction for this alteration is inconclusive. Based on the available evidence, the clinical significance of this alteration remains unclear.